The following is an entry in ClinVar:

NM_001080414.4(CCDC88C):c.1080T>G (p.Ile360Met)

Gene: CCDC88C (coiled-coil and HOOK domain protein 88C; minus strand). Cytogenetic location: 14q32.11.
Variant type: single nucleotide variant.
Coding change: c.1080T>G on transcript NM_001080414.4 (MANE Select); coding-DNA position 1080, T replaced by G.
Protein change: p.Ile360Met; replaces isoleucine 360 with methionine.
Molecular consequence: missense variant. On other transcripts: non-coding transcript variant (2).
Genome position (GRCh38, 1-based): chr14:91,326,027, A>C on the plus strand (T>G on the coding strand, the complement: CCDC88C is on the minus strand). VCF-style: chr14-91326027-A-C. GRCh37 (hg19) VCF-style: chr14-91792371-A-C.
Other names: short protein forms I360M.
Identifiers: ClinVar variation 3772459 (VCV003772459.13).

ClinVar aggregate classification (germline): Uncertain significance (1 of 4 stars; one submission).

Submission:

CeGaT Center for Human Genetics Tuebingen
Classification: Uncertain significance. Last evaluated: 2025-02-01. Review status: criteria provided, single submitter. Criteria: CeGaT Center For Human Genetics Tuebingen Variant Classification Criteria Version 2. Collection method: clinical testing. Allele origin: germline. Affected: yes. Observed: 1 variant allele.
Comment: CCDC88C: PM2, BP4